The following is an entry in ClinVar:

NM_021076.4(NEFH):c.471_495dup (p.Gln166fs)

Gene: NEFH (neurofilament heavy chain; plus strand). Cytogenetic location: 22q12.2.
Variant type: Duplication.
Coding change: c.471_495dup on transcript NM_021076.4 (MANE Select); coding-DNA positions 471 to 495, 25 bases duplicated (GCTGCGCCTGGGCGCGGCGCGCGGT).
Protein change: p.Gln166fs; shifts the reading frame from glutamine 166.
Molecular consequence: frameshift variant.
Genome position (GRCh38, 1-based): chr22:29,480,733-29,480,757, GCTGCGCCTGGGCGCGGCGCGCGGT duplicated; duplicating any 25 consecutive bases within chr22:29,480,726-29,480,757 gives the same sequence; the c. name uses the placement nearest the transcript's 3' end. VCF-style (leftmost placement, unchanged base first): chr22-29480725-G-GGCGCGGTGCTGCGCCTGGGCGCGGC. GRCh37 (hg19) VCF-style: chr22-29876714-G-GGCGCGGTGCTGCGCCTGGGCGCGGC.
Other names: short protein forms Q166fs.
Identifiers: ClinVar variation 2022393 (VCV002022393.4), dbSNP rs2517968882, ClinGen allele CA2580099473.

ClinVar aggregate classification (germline): Uncertain significance (1 of 4 stars; one submission).

Submission:

Labcorp Genetics (formerly Invitae), Labcorp
Classification: Uncertain significance. Last evaluated: 2022-08-07. Review status: criteria provided, single submitter. Criteria: Invitae Variant Classification Sherloc (09022015). Collection method: clinical testing. Allele origin: germline.
Comment: In summary, the available evidence is currently insufficient to determine the role of this variant in disease. Therefore, it has been classified as a Variant of Uncertain Significance. This variant has not been reported in the literature in individuals affected with NEFH-related conditions. This variant is not present in population databases (gnomAD no frequency). This sequence change creates a premature translational stop signal (p.Gln166Alafs*122) in the NEFH gene. It is expected to result in an absent or disrupted protein product. However, the current clinical and genetic evidence is not sufficient to establish whether loss-of-function variants in NEFH cause disease.